The following is an entry in ClinVar:

ClinVar aggregate classification (germline): Uncertain significance (1 of 4 stars; one submission).

Conditions:
Peroxisome biogenesis disorder 2B (PBD2B). Identifiers: Orphanet 44, MedGen C3550234, MONDO:0008736, OMIM 202370.

Submission:

Labcorp Genetics (formerly Invitae), Labcorp
Classification: Uncertain significance for Peroxisome biogenesis disorder 2B. Last evaluated: 2022-06-25. Review status: criteria provided, single submitter. Criteria: Invitae Variant Classification Sherloc (09022015). Collection method: clinical testing. Allele origin: germline.
Comment: In summary, the available evidence is currently insufficient to determine the role of this variant in disease. Therefore, it has been classified as a Variant of Uncertain Significance. Algorithms developed to predict the effect of missense changes on protein structure and function (SIFT, PolyPhen-2, Align-GVGD) all suggest that this variant is likely to be disruptive. This variant has not been reported in the literature in individuals affected with PEX5-related conditions. This variant is not present in population databases (gnomAD no frequency). This sequence change replaces leucine, which is neutral and non-polar, with proline, which is neutral and non-polar, at codon 430 of the PEX5 protein (p.Leu430Pro).

NM_001351132.2(PEX5):c.1289T>C (p.Leu430Pro)

Gene: PEX5 (peroxisomal biogenesis factor 5; plus strand). Cytogenetic location: 12p13.31.
Variant type: single nucleotide variant.
Coding change: c.1289T>C on transcript NM_001351132.2 (MANE Select); coding-DNA position 1289, T replaced by C.
Protein change: p.Leu430Pro; replaces leucine 430 with proline.
Molecular consequence: missense variant.
Genome position (GRCh38, 1-based): chr12:7,208,564, T>C. VCF-style: chr12-7208564-T-C. GRCh37 (hg19) VCF-style: chr12-7361160-T-C.
Other names: c.1265T>C, p.Leu422Pro (NM_000319.5); c.1334T>C, p.Leu445Pro (NM_001131023.2); c.1178T>C, p.Leu393Pro (NM_001131024.2, NM_001351124.3, NM_001351126.2 and 7 more transcripts); c.1289T>C, p.Leu430Pro (NM_001131025.2, NM_001131026.2, NM_001300789.3 and 4 more transcripts); c.1223T>C, p.Leu408Pro (NM_001351135.3, NM_001351138.2); c.1280T>C, p.Leu427Pro (NM_001351136.2); c.1154T>C, p.Leu385Pro (NM_001351139.2, NM_001351140.2, NM_001374649.2); short protein forms L393P, L408P, L427P, L445P, L430P, L385P, L422P.
Identifiers: ClinVar variation 1956026 (VCV001956026.3), dbSNP rs2540274072, ClinGen allele CA383733290.
Genomic context (GRCh38, chr12:7,208,564, plus strand): 5'-CTGTGAGCTTCACCAACGAGTCCCTGCAGCGACAGGCCTGTGAAACCCTACGAGACTGGC[T>C]GCGGTACACACCAGCCTATGCCCATCTGGTGACACCTGCTGAAGAAGGGGCTGGTGGGGC-3'
Protein context (NP_001338061.1, residues 420-440): RQACETLRDW[Leu430Pro]RYTPAYAHLV